The following is an entry in ClinVar:

ClinVar aggregate classification (germline): Likely pathogenic (1 of 4 stars; one submission).

Conditions:
Inborn genetic diseases. Identifiers: MedGen C0950123, MeSH D030342.

Submission:

Ambry Genetics
Classification: Likely pathogenic for Inborn genetic diseases. Last evaluated: 2026-04-13. Review status: criteria provided, single submitter. Criteria: Ambry Variant Classification Scheme 2023. Collection method: clinical testing. Allele origin: germline.
Comment: The c.714G>C (p.K238N) alteration is located in exon 7 (coding exon 6) of the SCN8A gene. This alteration results from a G to C substitution at nucleotide position 714, causing the lysine (K) at amino acid position 238 to be replaced by an asparagine (N). This variant was not reported in population-based cohorts in the Genome Aggregation Database (gnomAD). This amino acid position is highly conserved in available vertebrate species. This missense variant is located in a region that has a low rate of benign missense variation (Lek, 2016; Firth, 2009). This alteration is predicted to be deleterious by in silico analysis. Based on the available evidence, this alteration is classified as likely pathogenic.

NM_001330260.2(SCN8A):c.714G>C (p.Lys238Asn)

Gene: SCN8A (sodium voltage-gated channel alpha subunit 8; plus strand). Cytogenetic location: 12q13.13.
Variant type: single nucleotide variant.
Coding change: c.714G>C on transcript NM_001330260.2 (MANE Select); coding-DNA position 714, G replaced by C.
Protein change: p.Lys238Asn; replaces lysine 238 with asparagine.
Molecular consequence: missense variant.
Genome position (GRCh38, 1-based): chr12:51,699,577, G>C. VCF-style: chr12-51699577-G-C. GRCh37 (hg19) VCF-style: chr12-52093361-G-C.
Other names: c.714G>C, p.Lys238Asn (NM_001177984.3, NM_001369788.1, NM_014191.4); short protein forms K238N.
Identifiers: ClinVar variation 4864181 (VCV004864181.1).